The following is an entry in ClinVar:

NM_030958.3(SLCO5A1):c.2542T>C (p.Ser848Pro)

Gene: SLCO5A1 (solute carrier organic anion transporter family member 5A1; minus strand). Cytogenetic location: 8q13.3.
Variant type: single nucleotide variant.
Coding change: c.2542T>C on transcript NM_030958.3 (MANE Select); coding-DNA position 2542, T replaced by C.
Protein change: p.Ser848Pro; replaces serine 848 with proline.
Molecular consequence: missense variant. On other transcripts: 3 prime UTR variant (1).
Genome position (GRCh38, 1-based): chr8:69,672,874, A>G on the plus strand (T>C on the coding strand, the complement: SLCO5A1 is on the minus strand). VCF-style: chr8-69672874-A-G. GRCh37 (hg19) VCF-style: chr8-70585109-A-G.
Other names: c.*413T>C (NM_001146008.2); c.2377T>C, p.Ser793Pro (NM_001146009.1); short protein forms S848P, S793P.
Identifiers: ClinVar variation 3661398 (VCV003661398.2).

ClinVar aggregate classification (germline): Uncertain significance (1 of 4 stars; one submission).

Submission:

Labcorp Genetics (formerly Invitae), Labcorp
Classification: Uncertain significance. Last evaluated: 2024-08-04. Review status: criteria provided, single submitter. Criteria: Invitae Variant Classification Sherloc (09022015). Collection method: clinical testing. Allele origin: germline.
Comment: This sequence change replaces serine, which is neutral and polar, with proline, which is neutral and non-polar, at codon 848 of the SLCO5A1 protein (p.Ser848Pro). This variant is not present in population databases (gnomAD no frequency). This variant has not been reported in the literature in individuals affected with SLCO5A1-related conditions. An algorithm developed to predict the effect of missense changes on protein structure and function (PolyPhen-2) suggests that this variant is likely to be disruptive. In summary, the available evidence is currently insufficient to determine the role of this variant in disease. Therefore, it has been classified as a Variant of Uncertain Significance.